The following is an entry in ClinVar:

NM_006734.4(HIVEP2):c.2900C>A (p.Pro967His)

Gene: HIVEP2 (HIVEP zinc finger 2; minus strand). Cytogenetic location: 6q24.2.
Variant type: single nucleotide variant.
Coding change: c.2900C>A on transcript NM_006734.4 (MANE Select); coding-DNA position 2900, C replaced by A.
Protein change: p.Pro967His; replaces proline 967 with histidine.
Molecular consequence: missense variant.
Genome position (GRCh38, 1-based): chr6:142,771,839, G>T on the plus strand (C>A on the coding strand, the complement: HIVEP2 is on the minus strand). VCF-style: chr6-142771839-G-T. GRCh37 (hg19) VCF-style: chr6-143092976-G-T.
Other names: c.2900C>A, p.Pro967His (NM_001438449.1, NM_001438450.1, NM_001438451.1); short protein forms P967H.
Identifiers: ClinVar variation 5007999 (VCV005007999.1).

ClinVar aggregate classification (germline): Uncertain significance (1 of 4 stars; one submission).

Submission:

GeneDx
Classification: Uncertain significance. Last evaluated: 2026-02-24. Review status: criteria provided, single submitter. Criteria: GeneDx Variant Classification Process June 2021. Collection method: clinical testing. Allele origin: germline.
Comment: Not observed at significant frequency in large population cohorts (gnomAD); In silico analysis supports that this missense variant has a deleterious effect on protein structure/function; Has not been previously published as pathogenic or benign to our knowledge